The following is an entry in ClinVar:

NM_005235.3(ERBB4):c.1718G>A (p.Gly573Asp)

Gene: ERBB4 (erb-b2 receptor tyrosine kinase 4; minus strand). Cytogenetic location: 2q34.
Variant type: single nucleotide variant.
Coding change: c.1718G>A on transcript NM_005235.3 (MANE Select); coding-DNA position 1718, G replaced by A.
Protein change: p.Gly573Asp; replaces glycine 573 with aspartic acid.
Molecular consequence: missense variant.
Genome position (GRCh38, 1-based): chr2:211,665,476, C>T on the plus strand (G>A on the coding strand, the complement: ERBB4 is on the minus strand). VCF-style: chr2-211665476-C-T. GRCh37 (hg19) VCF-style: chr2-212530201-C-T.
Other names: c.1718G>A, p.Gly573Asp (NM_001042599.2); short protein forms G573D.
Identifiers: ClinVar variation 3346146 (VCV003346146.2).

ClinVar aggregate classification (germline): Uncertain significance. Review status: criteria provided, single submitter (1 of 4 stars). 2 submissions from 2 submitters: Uncertain significance (1). 1 of the submissions does not count toward it. Last evaluated 2025-08-22.

Conditions:
ERBB4-related disorder. Also called: ERBB4-related condition.

Submissions (2):

Labcorp Genetics (formerly Invitae), Labcorp
Classification: Uncertain significance. Last evaluated: 2025-08-22. Review status: criteria provided, single submitter. Criteria: Invitae Variant Classification Sherloc (09022015). Collection method: clinical testing. Allele origin: germline.
Comment: This sequence change replaces glycine, which is neutral and non-polar, with aspartic acid, which is acidic and polar, at codon 573 of the ERBB4 protein (p.Gly573Asp). This variant is not present in population databases (gnomAD no frequency). This missense change has been observed in individual(s) with amyotrophic lateral sclerosis (PMID: 37223130). ClinVar contains an entry for this variant (Variation ID: 3346146). An algorithm developed to predict the effect of missense changes on protein structure and function (PolyPhen-2) suggests that this variant is likely to be disruptive. In summary, the available evidence is currently insufficient to determine the role of this variant in disease. Therefore, it has been classified as a Variant of Uncertain Significance.

PreventionGenetics, part of Exact Sciences
Classification: Uncertain significance for ERBB4-related condition. Last evaluated: 2024-06-27. Review status: no assertion criteria provided. Collection method: clinical testing. Allele origin: germline. Not counted in ClinVar's aggregate classification.
Comment: The ERBB4 c.1718G>A variant is predicted to result in the amino acid substitution p.Gly573Asp. This variant was reported in an individual with sporadic amyotrophic lateral sclerosis (Ruf et al. 2023. PubMed ID: 37223130). This variant has not been reported in a large population database, indicating this variant is rare. At this time, the clinical significance of this variant is uncertain due to the absence of conclusive functional and genetic evidence.

Literature cited by the submitters: PubMed 37223130 (cited by Labcorp Genetics (formerly Invitae), Labcorp).